The following is an entry in ClinVar:

ClinVar aggregate classification (germline): Likely benign (1 of 4 stars; one submission).

Submission:

CeGaT Center for Human Genetics Tuebingen
Classification: Likely benign. Last evaluated: 2025-03-01. Review status: criteria provided, single submitter. Criteria: CeGaT Center For Human Genetics Tuebingen Variant Classification Criteria Version 2. Collection method: clinical testing. Allele origin: germline. Affected: yes. Observed: 1 variant allele.
Comment: PLIN4: BP4, BP7

NM_001367868.2(PLIN4):c.1845C>T (p.Thr615=)

Gene: PLIN4 (perilipin 4; minus strand). Cytogenetic location: 19p13.3.
Variant type: single nucleotide variant.
Coding change: c.1845C>T on transcript NM_001367868.2 (MANE Select); coding-DNA position 1845, C replaced by T.
Protein change: p.Thr615=; no amino-acid change (threonine 615 retained).
Molecular consequence: synonymous variant.
Genome position (GRCh38, 1-based): chr19:4,512,115, G>A on the plus strand (C>T on the coding strand, the complement: PLIN4 is on the minus strand). VCF-style: chr19-4512115-G-A. GRCh37 (hg19) VCF-style: chr19-4512127-G-A.
Other names: c.1845C>T, p.Thr615= (NM_001393891.1, NM_001393890.1); c.1848C>T, p.Thr616= (NM_001393888.1, NM_001393889.1).
Identifiers: ClinVar variation 3778043 (VCV003778043.7).